The following is an entry in ClinVar:

ClinVar aggregate classification (germline): Likely benign (1 of 4 stars; one submission).

Conditions:
Isolated thyroid-stimulating hormone deficiency. Also called: Hypothryoidism, congenital, nongoitrous 4; PITUITARY CRETINISM; THYROID-STIMULATING HORMONE DEFICIENCY; THYROTROPIN DEFICIENCY, ISOLATED; TSH DEFICIENCY; Thyroid-stimulating hormone, deficiency of. Identifiers: Orphanet 90674, MedGen C0271789, MONDO:0010139, OMIM 275100.

Allele frequency attached by ClinVar (database versions not stated): 1000 Genomes Project 0.01178; gnomAD 0.01178 and 0.01269; 1000 Genomes Project 30x 0.01187; TOPMed 0.01227.

Submission:

Illumina Laboratory Services, Illumina
Classification: Likely benign for Isolated thyroid-stimulating hormone deficiency. Last evaluated: 2018-01-13. Review status: criteria provided, single submitter. Criteria: ICSL Variant Classification Criteria 13 December 2019. Collection method: clinical testing. Allele origin: germline.
Comment: This variant was observed in the ICSL laboratory as part of a predisposition screen in an ostensibly healthy population. It had not been previously curated by ICSL or reported in the Human Gene Mutation Database (HGMD: prior to June 1st, 2018), and was therefore a candidate for classification through an automated scoring system. Utilizing variant allele frequency, disease prevalence and penetrance estimates, and inheritance mode, an automated score was calculated to assess if this variant is too frequent to cause the disease. Based on the score and internal cut-off values, a variant classified as likely benign is not then subjected to further curation. The score for this variant resulted in a classification of likely benign for this disease.

NM_000549.5(TSHB):c.-13A>G

Gene: TSHB (thyroid stimulating hormone subunit beta; plus strand). Cytogenetic location: 1p13.2.
Variant type: single nucleotide variant.
Coding change: c.-13A>G on transcript NM_000549.5 (MANE Select); 13 bases upstream of the start codon, A replaced by G.
Molecular consequence: 5 prime UTR variant.
Genome position (GRCh38, 1-based): chr1:115,029,849, A>G. VCF-style: chr1-115029849-A-G. GRCh37 (hg19) VCF-style: chr1-115572470-A-G.
Identifiers: ClinVar variation 291984 (VCV000291984.5), dbSNP rs77331078, ClinGen allele CA10607373.